The following is an entry in ClinVar:

ClinVar aggregate classification (germline): Pathogenic (1 of 4 stars; one submission).

Conditions:
Inborn genetic diseases. Identifiers: MedGen C0950123, MeSH D030342.

Submission:

Ambry Genetics
Classification: Pathogenic for Inborn genetic diseases. Last evaluated: 2025-07-25. Review status: criteria provided, single submitter. Criteria: Ambry Variant Classification Scheme 2023. Collection method: clinical testing. Allele origin: germline.
Comment: The c.1861delC (p.H621Tfs*3) alteration, located in exon 11 (coding exon 9) of the DHX30 gene, consists of a deletion of one nucleotide at position 1861, causing a translational frameshift with a predicted alternate stop codon after 3 amino acids. This alteration is expected to result in loss of function by premature protein truncation or nonsense-mediated mRNA decay. This variant was not reported in population-based cohorts in the Genome Aggregation Database (gnomAD). Based on the available evidence, this alteration is classified as pathogenic.

NM_138615.3(DHX30):c.1861del (p.His621fs)

Gene: DHX30 (DExH-box helicase 30; plus strand). Cytogenetic location: 3p21.31.
Variant type: Deletion.
Coding change: c.1861del on transcript NM_138615.3 (MANE Select); coding-DNA position 1861, one base deleted (C; older notation c.1861delC).
Protein change: p.His621fs; shifts the reading frame from histidine 621.
Molecular consequence: frameshift variant.
Genome position (GRCh38, 1-based): chr3:47,846,933, C deleted. VCF-style (leftmost placement, unchanged base first): chr3-47846932-GC-G. GRCh37 (hg19) VCF-style: chr3-47888422-GC-G.
Other names: c.1777del, p.His593fs (NM_001330990.2); c.1744del, p.His582fs (NM_014966.4); short protein forms H582fs, H593fs, H621fs.
Identifiers: ClinVar variation 4240216 (VCV004240216.1).